The following is an entry in ClinVar:

ClinVar aggregate classification (germline): Conflicting classifications of pathogenicity. Review status: criteria provided, conflicting classifications (1 of 4 stars). 2 submissions from 2 submitters: Uncertain significance (1); Likely benign (1). Last evaluated 2025-11-12.

Allele frequency attached by ClinVar (database versions not stated): ExAC 0.00004; gnomAD exomes 0.00004; TOPMed 0.00005; gnomAD 0.00006; ESP Exome Variant Server 0.00008; 1000 Genomes Project 0.00020; 1000 Genomes Project 30x 0.00062.
gnomAD v4.1: 24 of 1,614,190 alleles (0.0015%); highest among the groups gnomAD compares: African/African-American, 0.0053%; no homozygotes.

Submissions (2):

Ambry Genetics
Classification: Likely benign. Last evaluated: 2025-11-12. Review status: criteria provided, single submitter. Criteria: Ambry Variant Classification Scheme 2023. Collection method: clinical testing. Allele origin: germline.

Labcorp Genetics (formerly Invitae), Labcorp
Classification: Uncertain significance. Last evaluated: 2022-07-06. Review status: criteria provided, single submitter. Criteria: Invitae Variant Classification Sherloc (09022015). Collection method: clinical testing. Allele origin: germline.
Comment: This sequence change replaces methionine, which is neutral and non-polar, with valine, which is neutral and non-polar, at codon 2134 of the CEP250 protein (p.Met2134Val). In summary, the available evidence is currently insufficient to determine the role of this variant in disease. Therefore, it has been classified as a Variant of Uncertain Significance. Algorithms developed to predict the effect of missense changes on protein structure and function output the following: SIFT: "Not Available"; PolyPhen-2: "Benign"; Align-GVGD: "Not Available". The valine amino acid residue is found in multiple mammalian species, which suggests that this missense change does not adversely affect protein function. ClinVar contains an entry for this variant (Variation ID: 1004834). This variant has not been reported in the literature in individuals affected with CEP250-related conditions. This variant is present in population databases (rs199936529, gnomAD 0.01%).

NM_007186.6(CEP250):c.6400A>G (p.Met2134Val)

Gene: CEP250 (centrosomal protein 250; plus strand). Cytogenetic location: 20q11.22.
Variant type: single nucleotide variant.
Coding change: c.6400A>G on transcript NM_007186.6 (MANE Select); coding-DNA position 6400, A replaced by G.
Protein change: p.Met2134Val; replaces methionine 2134 with valine.
Molecular consequence: missense variant.
Genome position (GRCh38, 1-based): chr20:35,504,769, A>G. VCF-style: chr20-35504769-A-G. GRCh37 (hg19) VCF-style: chr20-34092597-A-G.
Other names: c.6400A>G (NM_007186.3); c.4504A>G, p.Met1502Val (NM_001318219.1); short protein forms M1502V, M2134V.
Identifiers: ClinVar variation 1004834 (VCV001004834.10), dbSNP rs199936529, ClinGen allele CA9834060.